The following is an entry in ClinVar:

NM_139276.3(STAT3):c.1982A>T (p.Asp661Val)

Gene: STAT3 (signal transducer and activator of transcription 3; minus strand). Cytogenetic location: 17q21.2.
Variant type: single nucleotide variant.
Coding change: c.1982A>T on transcript NM_139276.3 (MANE Select); coding-DNA position 1982, A replaced by T.
Protein change: p.Asp661Val; replaces aspartic acid 661 with valine.
Molecular consequence: missense variant.
Genome position (GRCh38, 1-based): chr17:42,322,401, T>A on the plus strand (A>T on the coding strand, the complement: STAT3 is on the minus strand). VCF-style: chr17-42322401-T-A. GRCh37 (hg19) VCF-style: chr17-40474419-T-A.
Other names: c.1982A>T, p.Asp661Val (NM_001369512.1, NM_001369513.1, NM_001369514.1 and 7 more transcripts); short protein forms D661V.
Identifiers: ClinVar variation 960836 (VCV000960836.11), dbSNP rs2081519463, ClinGen allele CA399581866.
Genomic context (GRCh38, chr17:42,322,401, plus strand): 5'-TCCTCCTTGGGAATGTCAGGATAGAGATAGACCAGTGGAGACACCAGGATATTGGTAGCA[T>A]CCATGATCTTATAGCCCATGATGATTTCAGCAAATGACATGTTGTTCAGCTGCTGCTTTG-3'
Protein context (NP_644805.1, residues 651-671): AEIIMGYKIM[Asp661Val]ATNILVSPLV

ClinVar aggregate classification (germline): Uncertain significance. Review status: criteria provided, multiple submitters, no conflicts (2 of 4 stars). 2 submissions from 2 submitters: Uncertain significance (2). Last evaluated 2025-02-16.

Conditions:
Hyper-IgE recurrent infection syndrome 1, autosomal dominant. Also called: Job's Syndrome; JOB SYNDROME; Hyper-IgE recurrent infection syndrome 1; HYPER-IgE SYNDROME 1, AUTOSOMAL DOMINANT, WITH RECURRENT INFECTIONS; STAT3 Hyper IgE Syndrome. Identifiers: Orphanet 2314, MedGen C2936739, MONDO:0007818, OMIM 147060.
STAT3 gain of function. Identifiers: MedGen C4288261.

Allele frequency attached by ClinVar (database versions not stated): gnomAD exomes below 0.00001; TOPMed below 0.00001.
gnomAD v4.1: 2 of 1,614,186 alleles (0.00012%); highest among the groups gnomAD compares: Non-Finnish European, 0.00017%; no homozygotes.

Submissions (2):

Labcorp Genetics (formerly Invitae), Labcorp
Classification: Uncertain significance for STAT3 gain of function; Hyper-IgE recurrent infection syndrome 1, autosomal dominant. Last evaluated: 2025-02-16. Review status: criteria provided, single submitter. Criteria: Invitae Variant Classification Sherloc (09022015). Collection method: clinical testing. Allele origin: germline.
Comment: This sequence change replaces aspartic acid, which is acidic and polar, with valine, which is neutral and non-polar, at codon 661 of the STAT3 protein (p.Asp661Val). This variant is not present in population databases (gnomAD no frequency). This variant has been observed as a somatic variant associated with leukemia (PMID: 24995504, 28977911), however, it has not been observed as a germline variant in individuals with STAT3-related conditions. ClinVar contains an entry for this variant (Variation ID: 960836). Invitae Evidence Modeling of protein sequence and biophysical properties (such as structural, functional, and spatial information, amino acid conservation, physicochemical variation, residue mobility, and thermodynamic stability) indicates that this missense variant is expected to disrupt STAT3 protein function with a positive predictive value of 95%. Experimental studies have shown that this missense change affects STAT3 function (PMID: 22591296). In summary, the available evidence is currently insufficient to determine the role of this variant in disease. Therefore, it has been classified as a Variant of Uncertain Significance.

Blueprint Genetics
Classification: Uncertain significance. Last evaluated: 2024-06-17. Review status: criteria provided, single submitter. Criteria: ACMG Guidelines, 2015. Collection method: clinical testing. Allele origin: germline.

Literature cited by the submitters: PubMed 24995504 (cited by Labcorp Genetics (formerly Invitae), Labcorp); PubMed 28977911 (cited by Labcorp Genetics (formerly Invitae), Labcorp); PubMed 22591296 (cited by Labcorp Genetics (formerly Invitae), Labcorp).